The following is an entry in ClinVar:

NM_014324.6(AMACR):c.343A>G (p.Ser115Gly)

Genes: AMACR (alpha-methylacyl-CoA racemase; minus strand), C1QTNF3-AMACR (C1QTNF3-AMACR readthrough (NMD candidate); minus strand). Cytogenetic location: 5p13.2.
Variant type: single nucleotide variant.
Coding change: c.343A>G on transcript NM_014324.6 (MANE Select); coding-DNA position 343, A replaced by G.
Protein change: p.Ser115Gly; replaces serine 115 with glycine.
Molecular consequence: missense variant. On other transcripts: non-coding transcript variant (1).
Genome position (GRCh38, 1-based): chr5:34,005,804, T>C on the plus strand (A>G on the coding strand, the complement: AMACR is on the minus strand). VCF-style: chr5-34005804-T-C. GRCh37 (hg19) VCF-style: chr5-34005909-T-C.
Other names: c.343A>G, p.Ser115Gly (NM_001167595.2, NM_203382.3); short protein forms S115G.
Identifiers: ClinVar variation 2120505 (VCV002120505.4), dbSNP rs2479023341, ClinGen allele CA359383757.

ClinVar aggregate classification (germline): Uncertain significance (1 of 4 stars; one submission).

Conditions:
Alpha-methylacyl-CoA racemase deficiency (AMACRD). Also called: AMACR deficiency. Identifiers: Orphanet 79095, MedGen C3280428, MONDO:0013681, OMIM 614307. Disease mechanism: loss of function.

Submission:

Labcorp Genetics (formerly Invitae), Labcorp
Classification: Uncertain significance for Alpha-methylacyl-CoA racemase deficiency. Last evaluated: 2024-04-23. Review status: criteria provided, single submitter. Criteria: Invitae Variant Classification Sherloc (09022015). Collection method: clinical testing. Allele origin: germline.
Comment: This sequence change replaces serine, which is neutral and polar, with glycine, which is neutral and non-polar, at codon 115 of the AMACR protein (p.Ser115Gly). This variant is not present in population databases (gnomAD no frequency). This variant has not been reported in the literature in individuals affected with AMACR-related conditions. ClinVar contains an entry for this variant (Variation ID: 2120505). Advanced modeling of protein sequence and biophysical properties (such as structural, functional, and spatial information, amino acid conservation, physicochemical variation, residue mobility, and thermodynamic stability) performed at Invitae indicates that this missense variant is not expected to disrupt AMACR protein function with a negative predictive value of 80%. In summary, the available evidence is currently insufficient to determine the role of this variant in disease. Therefore, it has been classified as a Variant of Uncertain Significance.